The following is an entry in ClinVar:

NM_001267550.2(TTN):c.105686C>T (p.Thr35229Ile)

Genes: TTN-AS1 (TTN antisense RNA 1; plus strand), TTN (titin; minus strand), LOC129935183 (ATAC-STARR-seq lymphoblastoid active region 16808; plus strand). Cytogenetic location: 2q31.2.
Variant type: single nucleotide variant.
Coding change: c.105686C>T on transcript NM_001267550.2 (MANE Select); coding-DNA position 105686, C replaced by T.
Protein change: p.Thr35229Ile; replaces threonine 35229 with isoleucine.
Molecular consequence: missense variant.
Genome position (GRCh38, 1-based): chr2:178,530,929, G>A on the plus strand (C>T on the coding strand, the complement: TTN is on the minus strand). VCF-style: chr2-178530929-G-A. GRCh37 (hg19) VCF-style: chr2-179395656-G-A.
Other names: c.100763C>T, p.Thr33588Ile (NM_001256850.1); c.78491C>T, p.Thr26164Ile (NM_003319.4); c.97982C>T, p.Thr32661Ile (NM_133378.4); c.78866C>T, p.Thr26289Ile (NM_133432.3); c.79067C>T, p.Thr26356Ile (NM_133437.4); short protein forms T26164I, T26289I, T26356I, T32661I, T33588I, T35229I.
Identifiers: ClinVar variation 3753031 (VCV003753031.2).
Genomic context (GRCh38, chr2:178,530,929, plus strand): 5'-GACTTAACTGCTTCTGGGGATTTCACCCGAGGCTCTGGGGATTTGACTCTTGGTGGTGAT[G>A]TCACAGCCTTTTCAGTTACCCTGGCCTTTTGAATAGTCAGAGTGAACTCTGCTTCTTGTT-3'
Protein context (NP_001254479.2, residues 35219-35239): QKARVTEKAV[Thr35229Ile]SPPRVKSPEP

ClinVar aggregate classification (germline): Uncertain significance (1 of 4 stars; one submission).

Conditions:
Autosomal recessive limb-girdle muscular dystrophy type 2J (LGMDR10). Also called: Limb-girdle muscular dystrophy, type 2J; MUSCULAR DYSTROPHY, LIMB-GIRDLE, AUTOSOMAL RECESSIVE 10. Identifiers: Orphanet 140922, MedGen C1837342, MONDO:0012127, OMIM 608807.
Dilated cardiomyopathy 1G (CMD1G). Identifiers: Orphanet 154, MedGen C1858763, MONDO:0011400, OMIM 604145.

gnomAD v4.1: 3 of 1,614,004 alleles (0.00019%); highest among the groups gnomAD compares: Non-Finnish European, 0.00025%; no homozygotes.

Submission:

Labcorp Genetics (formerly Invitae), Labcorp
Classification: Uncertain significance for Dilated cardiomyopathy 1G; Autosomal recessive limb-girdle muscular dystrophy type 2J. Last evaluated: 2024-02-22. Review status: criteria provided, single submitter. Criteria: Invitae Variant Classification Sherloc (09022015). Collection method: clinical testing. Allele origin: germline.
Comment: This sequence change replaces threonine, which is neutral and polar, with isoleucine, which is neutral and non-polar, at codon 35229 of the TTN protein (p.Thr35229Ile). This variant is present in population databases (rs756904634, gnomAD 0.0009%). This variant has not been reported in the literature in individuals affected with TTN-related conditions. Experimental studies and prediction algorithms are not available or were not evaluated, and the functional significance of this variant is currently unknown. This variant is located in the M band of TTN (PMID: 25589632). Non-truncating variants in this region may be relevant for neuromuscular disorders, but have not been definitively shown to cause cardiomyopathy (PMID: 23975875). In summary, the available evidence is currently insufficient to determine the role of this variant in disease. Therefore, it has been classified as a Variant of Uncertain Significance.

Literature cited by the submitters: PubMed 25589632; PubMed 23975875.